The following is an entry in ClinVar:

NM_032447.5(FBN3):c.3489T>G (p.Asn1163Lys)

Gene: FBN3 (fibrillin 3; minus strand). Cytogenetic location: 19p13.2.
Variant type: single nucleotide variant.
Coding change: c.3489T>G on transcript NM_032447.5 (MANE Select); coding-DNA position 3489, T replaced by G.
Protein change: p.Asn1163Lys; replaces asparagine 1163 with lysine.
Molecular consequence: missense variant.
Genome position (GRCh38, 1-based): chr19:8,117,266, A>C on the plus strand (T>G on the coding strand, the complement: FBN3 is on the minus strand). VCF-style: chr19-8117266-A-C. GRCh37 (hg19) VCF-style: chr19-8182150-A-C.
Other names: c.3489T>G, p.Asn1163Lys (NM_001321431.2); short protein forms N1163K.
Identifiers: ClinVar variation 2514217 (VCV002514217.4), dbSNP rs776231221, ClinGen allele CA9152428.
Genomic context (GRCh38, chr19:8,117,266, plus strand): 5'-CTGCCCACAGCTGCACCGGTAGCTGCCCTCAGTGTTAATACAGTGCACGTCACACCCACC[A>C]TTCTGGACCCGGCATTCGTTGATGTCTGCAGGATGCAGGGCAGACAGGGGCTGGGGCTGG-3'
Protein context (NP_115823.3, residues 1153-1173): CVDINECRVQ[Asn1163Lys]GGCDVHCINT

ClinVar aggregate classification (germline): Uncertain significance. Review status: criteria provided, multiple submitters, no conflicts (2 of 4 stars). 2 submissions from 2 submitters: Uncertain significance (2). Last evaluated 2025-03-04.

Allele frequency attached by ClinVar (database versions not stated): ExAC 0.00002.
gnomAD v4.1: 70 of 1,514,388 alleles (0.0046%); highest among the groups gnomAD compares: Non-Finnish European, 0.0058%; no homozygotes.

Submissions (2):

Labcorp Genetics (formerly Invitae), Labcorp
Classification: Uncertain significance. Last evaluated: 2025-03-04. Review status: criteria provided, single submitter. Criteria: Invitae Variant Classification Sherloc (09022015). Collection method: clinical testing. Allele origin: germline.
Comment: This sequence change replaces asparagine, which is neutral and polar, with lysine, which is basic and polar, at codon 1163 of the FBN3 protein (p.Asn1163Lys). This variant is present in population databases (rs776231221, gnomAD 0.007%). This variant has not been reported in the literature in individuals affected with FBN3-related conditions. ClinVar contains an entry for this variant (Variation ID: 2514217). Invitae Evidence Modeling of protein sequence and biophysical properties (such as structural, functional, and spatial information, amino acid conservation, physicochemical variation, residue mobility, and thermodynamic stability) indicates that this missense variant is not expected to disrupt FBN3 protein function with a negative predictive value of 80%. In summary, the available evidence is currently insufficient to determine the role of this variant in disease. Therefore, it has been classified as a Variant of Uncertain Significance.

Ambry Genetics
Classification: Uncertain significance. Last evaluated: 2023-03-24. Review status: criteria provided, single submitter. Criteria: Ambry Variant Classification Scheme 2023. Collection method: clinical testing. Allele origin: germline.